The following is an entry in ClinVar:

ClinVar aggregate classification (germline): Benign. Review status: criteria provided, multiple submitters, no conflicts (2 of 4 stars). 16 submissions from 15 submitters: Benign (13). 3 of the submissions do not count toward it. Last evaluated 2026-02-04.

Conditions:
Malignant hyperthermia, susceptibility to, 1 (MHS1). Also called: Malignant hyperthermia suceptibility 1; Anesthesia related hyperthermia; Malignant hyperpyrexia; Fulminating hyperpyrexia; Pharmacogenic myopathy; RYR1-Related Malignant Hyperthermia Susceptibility. Identifiers: Orphanet 423, MedGen C2930980, MONDO:0007783, OMIM 145600.
Congenital multicore myopathy with external ophthalmoplegia (CMYO1B). Also called: MULTIMINICORE DISEASE WITH EXTERNAL OPHTHALMOPLEGIA; MULTICORE MYOPATHY; Minicore myopathy with external ophthalmoplegia; Congenital myopathy 1B, autosomal recessive; Minicore myopathy. Identifiers: Orphanet 598, Orphanet 98905, MedGen C1850674, MONDO:0009712, OMIM 255320, HP:0003789.
RYR1-related disorder. Also called: RYR1-related condition; RYR1-related disorders. Identifiers: MedGen CN239331.

Allele frequency attached by ClinVar (database versions not stated): 1000 Genomes Project 30x 0.03186; 1000 Genomes Project 0.03355; TOPMed 0.03534; ESP Exome Variant Server 0.03691; gnomAD 0.04186 and 0.04188; gnomAD exomes 0.04318 and 0.04621; ExAC 0.04604.
gnomAD v4.1: 69,607 of 1,613,262 alleles (4.3%); highest among the groups gnomAD compares: Middle Eastern, 7.6%; 1,816 homozygotes.

Submissions (16):

Labcorp Genetics (formerly Invitae), Labcorp
Classification: Benign for RYR1-related disorder. Last evaluated: 2026-02-04. Review status: criteria provided, single submitter. Criteria: Invitae Variant Classification Sherloc (09022015). Collection method: clinical testing. Allele origin: germline.

Blueprint Genetics
Classification: Benign. Last evaluated: 2024-11-28. Review status: criteria provided, single submitter. Criteria: ACMG Guidelines, 2015. Collection method: clinical testing. Allele origin: germline.

Athena Diagnostics
Classification: Benign. Last evaluated: 2024-10-22. Review status: criteria provided, single submitter. Criteria: Athena Diagnostics Criteria. Collection method: clinical testing. Allele origin: unknown.

Color Diagnostics, LLC DBA Color Health
Classification: Benign for Malignant hyperthermia, susceptibility to, 1. Last evaluated: 2019-03-29. Review status: criteria provided, single submitter. Criteria: ACMG Guidelines, 2015. Collection method: clinical testing. Allele origin: germline.

PreventionGenetics, part of Exact Sciences
Classification: Benign. Last evaluated: 2018-03-29. Review status: criteria provided, single submitter. Criteria: ACMG Guidelines, 2015. Collection method: clinical testing. Allele origin: germline.

Illumina Laboratory Services, Illumina
Classification: Benign for Malignant hyperthermia, susceptibility to, 1. Last evaluated: 2018-01-12. Review status: criteria provided, single submitter. Criteria: ICSL Variant Classification Criteria 13 December 2019. Collection method: clinical testing. Allele origin: germline.
Comment: This variant was observed in the ICSL laboratory as part of a predisposition screen in an ostensibly healthy population. It had not been previously curated by ICSL or reported in the Human Gene Mutation Database (HGMD: prior to June 1st, 2018), and was therefore a candidate for classification through an automated scoring system. Utilizing variant allele frequency, disease prevalence and penetrance estimates, and inheritance mode, an automated score was calculated to assess if this variant is too frequent to cause the disease. Based on the score and internal cut-off values, a variant classified as benign is not then subjected to further curation. The score for this variant resulted in a classification of benign for this disease.

Illumina Laboratory Services, Illumina
Classification: Benign for Congenital multicore myopathy with external ophthalmoplegia. Last evaluated: 2018-01-12. Review status: criteria provided, single submitter. Criteria: ICSL Variant Classification Criteria 13 December 2019. Collection method: clinical testing. Allele origin: germline.
Comment: the same text as in the submission from Illumina Laboratory Services, Illumina above.

Mayo Clinic Laboratories, Mayo Clinic
Classification: Benign. Last evaluated: 2017-08-24. Review status: criteria provided, single submitter. Criteria: ACMG Guidelines, 2015. Collection method: clinical testing. Allele origin: germline. Observed: 66 variant alleles.

GeneDx
Classification: Benign. Last evaluated: 2016-02-29. Review status: criteria provided, single submitter. Criteria: GeneDx Variant Classification (06012015). Collection method: clinical testing. Allele origin: germline. Affected: yes.
Comment: This variant is considered likely benign or benign based on one or more of the following criteria: it is a conservative change, it occurs at a poorly conserved position in the protein, it is predicted to be benign by multiple in silico algorithms, and/or has population frequency not consistent with disease.

Laboratory for Molecular Medicine, Mass General Brigham Personalized Medicine
Classification: Benign. Last evaluated: 2015-01-13. Review status: criteria provided, single submitter. Criteria: LMM Criteria. Collection method: clinical testing. Allele origin: germline. Observed: 1 variant allele.
Comment: p.Ser4557Ser in exon 94 of RYR1: This variant is not expected to have clinical s ignificance because it does not alter an amino acid residue and is not located w ithin the splice consensus sequence. It has been identified in 4.9% (420/8600) o f European American chromosomes from a broad population by the NHLBI Exome Seque ncing Project (dbSNP rs35959206).

Eurofins Ntd Llc (ga)
Classification: Benign. Last evaluated: 2013-11-12. Review status: criteria provided, single submitter. Criteria: EGL Classification Definitions 2015. Collection method: clinical testing. Allele origin: germline. Observed: 1 variant allele, 1 heterozygote.

Genetic Services Laboratory, University of Chicago
Classification: Benign. Last evaluated: 2013-08-15. Review status: criteria provided, single submitter. Criteria: ACMG Guidelines, 2007. Collection method: clinical testing. Allele origin: germline. Inheritance: Autosomal unknown.

Breakthrough Genomics
Classification: Benign. Review status: criteria provided, single submitter. Criteria: ACMG Guidelines, 2015. Collection method: not provided. Allele origin: germline. Inheritance: Autosomal recessive inheritance. Affected: yes.

Joint Genome Diagnostic Labs from Nijmegen and Maastricht, Radboudumc and MUMC+
Classification: Benign. Review status: no assertion criteria provided. Collection method: clinical testing. Allele origin: germline. Affected: yes. Study: VKGL Data-share Consensus. Not counted in ClinVar's aggregate classification.

Laboratory of Diagnostic Genome Analysis, Leiden University Medical Center (LUMC)
Classification: Likely benign. Review status: no assertion criteria provided. Collection method: clinical testing. Allele origin: germline. Affected: yes. Study: VKGL Data-share Consensus. Not counted in ClinVar's aggregate classification.

RYR1 database
No classification provided. Review status: no classification provided. Collection method: not provided. Allele origin: unknown. Not counted in ClinVar's aggregate classification.

NM_000540.3(RYR1):c.13671C>G (p.Ser4557=)

Gene: RYR1 (ryanodine receptor 1; plus strand). Cytogenetic location: 19q13.2.
Variant type: single nucleotide variant.
Coding change: c.13671C>G on transcript NM_000540.3 (MANE Select); coding-DNA position 13671, C replaced by G.
Protein change: p.Ser4557=; no amino-acid change (serine 4557 retained).
Molecular consequence: synonymous variant.
Genome position (GRCh38, 1-based): chr19:38,570,618, C>G. VCF-style: chr19-38570618-C-G. GRCh37 (hg19) VCF-style: chr19-39061258-C-G.
Other names: p.Ser4557=; c.13656C>G, p.Ser4552= (NM_001042723.2).
Identifiers: ClinVar variation 93253 (VCV000093253.34), dbSNP rs35959206, ClinGen allele CA024062.
Genomic context (GRCh38, chr19:38,570,618, plus strand): 5'-GAAGAGGCTGATCTGTGAGCGCTTTCTCTCTTTTTCTCTTCTCTCTCAGAACTACCTGTC[C>G]CGGAACTTTTACACCCTGCGGTTCCTTGCCCTCTTCTTGGCATTTGCCATCAACTTCATC-3'
Protein context (NP_000531.2, residues 4547-4567): VQRVKFLNYL[Ser4557=]RNFYTLRFLA